The following is an entry in ClinVar:

ClinVar aggregate classification (germline): Uncertain significance (1 of 4 stars; one submission).

Allele frequency attached by ClinVar (database versions not stated): gnomAD exomes below 0.00001.
gnomAD v4.1: 2 of 1,614,154 alleles (0.00012%); highest among the groups gnomAD compares: Non-Finnish European, 0.00017%; no homozygotes.

Submission:

Labcorp Genetics (formerly Invitae), Labcorp
Classification: Uncertain significance. Last evaluated: 2026-01-12. Review status: criteria provided, single submitter. Criteria: Invitae Variant Classification Sherloc (09022015). Collection method: clinical testing. Allele origin: germline.
Comment: This sequence change replaces valine, which is neutral and non-polar, with isoleucine, which is neutral and non-polar, at codon 248 of the CAD protein (p.Val248Ile). This variant is not present in population databases (gnomAD no frequency). This variant has not been reported in the literature in individuals affected with CAD-related conditions. ClinVar contains an entry for this variant (Variation ID: 1945027). An algorithm developed to predict the effect of missense changes on protein structure and function outputs the following: PolyPhen-2: "Benign". The isoleucine amino acid residue is found in multiple mammalian species, which suggests that this missense change does not adversely affect protein function. In summary, the available evidence is currently insufficient to determine the role of this variant in disease. Therefore, it has been classified as a Variant of Uncertain Significance.

NM_004341.5(CAD):c.742G>A (p.Val248Ile)

Gene: CAD (carbamoyl-phosphate synthetase 2, aspartate transcarbamylase, and dihydroorotase; plus strand). Cytogenetic location: 2p23.3.
Variant type: single nucleotide variant.
Coding change: c.742G>A on transcript NM_004341.5 (MANE Select); coding-DNA position 742, G replaced by A.
Protein change: p.Val248Ile; replaces valine 248 with isoleucine.
Molecular consequence: missense variant.
Genome position (GRCh38, 1-based): chr2:27,222,970, G>A. VCF-style: chr2-27222970-G-A. GRCh37 (hg19) VCF-style: chr2-27445838-G-A.
Other names: c.742G>A, p.Val248Ile (NM_001306079.2); short protein forms V248I.
Identifiers: ClinVar variation 1945027 (VCV001945027.3), dbSNP rs2465290374, ClinGen allele CA346200829.